The following is an entry in ClinVar:

NM_001142800.2(EYS):c.2024-14C>T

Gene: EYS (EGF-like photoreceptor maintenance factor; minus strand). Cytogenetic location: 6q12.
Variant type: single nucleotide variant.
Coding change: c.2024-14C>T on transcript NM_001142800.2 (MANE Select); 14 bases into the intron before coding-DNA position 2024, C replaced by T.
Molecular consequence: intron variant.
Genome position (GRCh38, 1-based): chr6:65,057,741, G>A on the plus strand (C>T on the coding strand, the complement: EYS is on the minus strand). VCF-style: chr6-65057741-G-A. GRCh37 (hg19) VCF-style: chr6-65767634-G-A.
Other names: c.2024-14C>T (NM_001292009.2, FM209056.1).
Identifiers: ClinVar variation 137269 (VCV000137269.15), dbSNP rs45628235, ClinGen allele CA290801.

ClinVar aggregate classification (germline): Benign/Likely benign. Review status: criteria provided, multiple submitters, no conflicts (2 of 4 stars). 5 submissions from 5 submitters: Benign (4); Likely benign (1). Last evaluated 2026-02-04.

Conditions:
Retinitis pigmentosa (RP). Identifiers: Orphanet 791, MedGen C0035334, MeSH D012174, MONDO:0019200, OMIM 268000. Inheritance: Autosomal dominant, autosomal recessive and X linked inheritance.

Allele frequency attached by ClinVar (database versions not stated): 1000 Genomes Project 0.15795; TOPMed 0.18089; gnomAD 0.20168 and 0.20204; gnomAD exomes 0.24279; ExAC 0.24872.
gnomAD v4.1: 309,338 of 1,402,738 alleles (22%); highest among the groups gnomAD compares: South Asian, 27%; 37,079 homozygotes.

Submissions (5):

Labcorp Genetics (formerly Invitae), Labcorp
Classification: Benign. Last evaluated: 2026-02-04. Review status: criteria provided, single submitter. Criteria: Invitae Variant Classification Sherloc (09022015). Collection method: clinical testing. Allele origin: germline.

Blueprint Genetics
Classification: Likely benign. Last evaluated: 2024-11-27. Review status: criteria provided, single submitter. Criteria: ACMG Guidelines, 2015. Collection method: clinical testing. Allele origin: germline.

Women's Health and Genetics/Laboratory Corporation of America, LabCorp
Classification: Benign. Last evaluated: 2023-04-17. Review status: criteria provided, single submitter. Criteria: LabCorp Variant Classification Summary - May 2015. Collection method: clinical testing. Allele origin: germline.

Illumina Laboratory Services, Illumina
Classification: Benign for Retinitis pigmentosa. Last evaluated: 2018-01-13. Review status: criteria provided, single submitter. Criteria: ICSL Variant Classification Criteria 13 December 2019. Collection method: clinical testing. Allele origin: germline.
Comment: This variant was observed in the ICSL laboratory as part of a predisposition screen in an ostensibly healthy population. It had not been previously curated by ICSL or reported in the Human Gene Mutation Database (HGMD: prior to June 1st, 2018), and was therefore a candidate for classification through an automated scoring system. Utilizing variant allele frequency, disease prevalence and penetrance estimates, and inheritance mode, an automated score was calculated to assess if this variant is too frequent to cause the disease. Based on the score and internal cut-off values, a variant classified as benign is not then subjected to further curation. The score for this variant resulted in a classification of benign for this disease.

GeneDx
Classification: Benign. Last evaluated: 2011-09-01. Review status: criteria provided, single submitter. Criteria: GeneDx Variant Classification (06012015). Collection method: clinical testing. Allele origin: germline.
Comment: The variant is found in ARRP panel(s).